The following is an entry in ClinVar:

NM_000540.3(RYR1):c.12118G>A (p.Ala4040Thr)

Gene: RYR1 (ryanodine receptor 1; plus strand). Cytogenetic location: 19q13.2.
Variant type: single nucleotide variant.
Coding change: c.12118G>A on transcript NM_000540.3 (MANE Select); coding-DNA position 12118, G replaced by A.
Protein change: p.Ala4040Thr; replaces alanine 4040 with threonine.
Molecular consequence: missense variant.
Genome position (GRCh38, 1-based): chr19:38,548,256, G>A. VCF-style: chr19-38548256-G-A. GRCh37 (hg19) VCF-style: chr19-39038896-G-A.
Other names: c.12103G>A, p.Ala4035Thr (NM_001042723.2); short protein forms A4035T, A4040T.
Identifiers: ClinVar variation 2190741 (VCV002190741.4), dbSNP rs374441925, ClinGen allele CA058310.

ClinVar aggregate classification (germline): Uncertain significance. Review status: criteria provided, multiple submitters, no conflicts (2 of 4 stars). 4 submissions from 4 submitters: Uncertain significance (4). Last evaluated 2025-09-22.

Conditions:
Inborn genetic diseases. Identifiers: MedGen C0950123, MeSH D030342.
RYR1-related disorder. Also called: RYR1-related disorders; RYR1-related condition. Identifiers: MedGen CN239331.
Malignant hyperthermia, susceptibility to, 1 (MHS1). Also called: RYR1-Related Malignant Hyperthermia Susceptibility; Malignant hyperthermia suceptibility 1; Anesthesia related hyperthermia; Malignant hyperpyrexia; Fulminating hyperpyrexia; Pharmacogenic myopathy. Identifiers: Orphanet 423, MedGen C2930980, MONDO:0007783, OMIM 145600.

Allele frequency attached by ClinVar (database versions not stated): TOPMed 0.00001; ExAC 0.00002; gnomAD exomes 0.00002; ESP Exome Variant Server 0.00008.
gnomAD v4.1: 24 of 1,614,102 alleles (0.0015%); highest among the groups gnomAD compares: African/African-American, 0.004%; no homozygotes.

Submissions (4):

Ambry Genetics
Classification: Uncertain significance for Inborn genetic diseases. Last evaluated: 2025-09-22. Review status: criteria provided, single submitter. Criteria: Ambry Variant Classification Scheme 2023. Collection method: clinical testing. Allele origin: germline.

GeneDx
Classification: Uncertain significance. Last evaluated: 2025-03-19. Review status: criteria provided, single submitter. Criteria: GeneDx Variant Classification Process June 2021. Collection method: clinical testing. Allele origin: germline. Affected: yes.
Comment: Not observed at significant frequency in large population cohorts (gnomAD); In silico analysis indicates that this missense variant does not alter protein structure/function; Has not been previously published as pathogenic or benign to our knowledge

Color Diagnostics, LLC DBA Color Health
Classification: Uncertain significance for Malignant hyperthermia, susceptibility to, 1. Last evaluated: 2024-07-23. Review status: criteria provided, single submitter. Criteria: ACMG Guidelines, 2015. Collection method: clinical testing. Allele origin: germline.
Comment: This missense variant replaces alanine with threonine at codon 4040 of the RYR1 protein. Computational prediction suggests that this variant may not impact protein structure and function. To our knowledge, functional studies have not been reported for this variant. This variant has not been reported in individuals affected with RYR1-related disorders in the literature. This variant has been identified in 2/251470 chromosomes in the general population by the Genome Aggregation Database (gnomAD). The available evidence is insufficient to determine the role of this variant in disease conclusively. Therefore, this variant is classified as a Variant of Uncertain Significance.

Labcorp Genetics (formerly Invitae), Labcorp
Classification: Uncertain significance for RYR1-related disorder. Last evaluated: 2022-08-01. Review status: criteria provided, single submitter. Criteria: Invitae Variant Classification Sherloc (09022015). Collection method: clinical testing. Allele origin: germline.
Comment: This sequence change replaces alanine, which is neutral and non-polar, with threonine, which is neutral and polar, at codon 4040 of the RYR1 protein (p.Ala4040Thr). This variant is present in population databases (rs374441925, gnomAD 0.007%). This variant has not been reported in the literature in individuals affected with RYR1-related conditions. Advanced modeling of protein sequence and biophysical properties (such as structural, functional, and spatial information, amino acid conservation, physicochemical variation, residue mobility, and thermodynamic stability) performed at Invitae indicates that this missense variant is not expected to disrupt RYR1 protein function. In summary, the available evidence is currently insufficient to determine the role of this variant in disease. Therefore, it has been classified as a Variant of Uncertain Significance.